The following is an entry in ClinVar:

NM_017882.3(CLN6):c.902C>G (p.Ala301Gly)

Gene: CLN6 (CLN6 transmembrane ER protein; minus strand). Cytogenetic location: 15q23.
Variant type: single nucleotide variant.
Coding change: c.902C>G on transcript NM_017882.3 (MANE Select); coding-DNA position 902, C replaced by G.
Protein change: p.Ala301Gly; replaces alanine 301 with glycine.
Molecular consequence: missense variant.
Genome position (GRCh38, 1-based): chr15:68,208,174, G>C on the plus strand (C>G on the coding strand, the complement: CLN6 is on the minus strand). VCF-style: chr15-68208174-G-C. GRCh37 (hg19) VCF-style: chr15-68500512-G-C.
Other names: short protein forms A301G.
Identifiers: ClinVar variation 423701 (VCV000423701.2), dbSNP rs1064796587, ClinGen allele CA16619996.

ClinVar aggregate classification (germline): Uncertain significance (1 of 4 stars; one submission).

Submission:

GeneDx
Classification: Uncertain significance. Last evaluated: 2017-02-17. Review status: criteria provided, single submitter. Criteria: GeneDx Variant Classification (06012015). Collection method: clinical testing. Allele origin: germline. Affected: yes.
Comment: A variant of uncertain significance has been identified in the CLN6 gene. The A301G variant has not been published as a pathogenic variant, nor has it been reported as a benign variant to our knowledge. The A301G variant is not observed in large population cohorts (Lek et al., 2016; 1000 Genomes Consortium et al., 2015; Exome Variant Server). This substitution occurs at a position that is conserved in mammals, and in silico analysis predicts this variant is probably damaging to the protein structure/function. Additionally, missense variants in nearby residues (P297T, P299L, W300R) have been reported in the Human Gene Mutation Database in association with neuronal ceroid lipofuscinosis (Stenson et al., 2014), supporting the functional importance of this region of the protein. However, the A301G variant is a conservative amino acid substitution, which is not likely to impact secondary protein structure as these residues share similar properties. Therefore, based on the currently available information, it is unclear whether this variant is a pathogenic variant or a rare benign variant.